The following is an entry in ClinVar:

NM_004667.6(HERC2):c.1074C>T (p.Gly358=)

Gene: HERC2 (HECT and RLD domain containing E3 ubiquitin protein ligase 2; minus strand). Cytogenetic location: 15q13.1.
Variant type: single nucleotide variant.
Coding change: c.1074C>T on transcript NM_004667.6 (MANE Select); coding-DNA position 1074, C replaced by T.
Protein change: p.Gly358=; no amino-acid change (glycine 358 retained).
Molecular consequence: synonymous variant.
Genome position (GRCh38, 1-based): chr15:28,272,224, G>A on the plus strand (C>T on the coding strand, the complement: HERC2 is on the minus strand). VCF-style: chr15-28272224-G-A. GRCh37 (hg19) VCF-style: chr15-28517370-G-A.
Identifiers: ClinVar variation 2645085 (VCV002645085.24), dbSNP rs747344284, ClinGen allele CA267947144.

ClinVar aggregate classification (germline): Likely benign (1 of 4 stars; one submission).

Allele frequency attached by ClinVar (database versions not stated): gnomAD exomes below 0.00001; gnomAD 0.00001; TOPMed 0.00001; ExAC 0.00002.
gnomAD v4.1: 6 of 1,597,064 alleles (0.00038%); highest among the groups gnomAD compares: South Asian, 0.0023%; no homozygotes.

Submission:

CeGaT Center for Human Genetics Tuebingen
Classification: Likely benign. Last evaluated: 2022-05-01. Review status: criteria provided, single submitter. Criteria: CeGaT Center For Human Genetics Tuebingen Variant Classification Criteria Version 2. Collection method: clinical testing. Allele origin: germline. Affected: yes. Observed: 1 variant allele.
Comment: HERC2: BP4, BP7